The following is an entry in ClinVar:

NM_133259.4(LRPPRC):c.2535dup (p.Ile846fs)

Gene: LRPPRC (leucine rich pentatricopeptide repeat containing; minus strand). Cytogenetic location: 2p21.
Variant type: Duplication.
Coding change: c.2535dup on transcript NM_133259.4 (MANE Select); coding-DNA position 2535, one base duplicated (C; older notation c.2535dupC).
Protein change: p.Ile846fs; shifts the reading frame from isoleucine 846.
Molecular consequence: frameshift variant.
Genome position (GRCh38, 1-based): chr2:43,934,848, G duplicated on the plus strand (C on the coding strand, the reverse complement: LRPPRC is on the minus strand); the first of 2 consecutive G bases (chr2:43,934,848-43,934,849); duplicating either gives the same sequence. VCF-style (leftmost placement, unchanged base first): chr2-43934847-T-TG. GRCh37 (hg19) VCF-style: chr2-44161986-T-TG.
Other names: short protein forms I846fs.
Identifiers: ClinVar variation 5012297 (VCV005012297.1).

ClinVar aggregate classification (germline): Pathogenic (1 of 4 stars; one submission).

Conditions:
Congenital lactic acidosis, Saguenay-Lac-Saint-Jean type (MC4DN5). Also called: CYTOCHROME c OXIDASE DEFICIENCY, FRENCH CANADIAN TYPE; COX DEFICIENCY, FRENCH CANADIAN TYPE; MITOCHONDRIAL COMPLEX IV DEFICIENCY, NUCLEAR TYPE 5. Identifiers: Orphanet 70472, MedGen C1857355, MONDO:0009069, OMIM 220111.

Submission:

Myriad Genetics, Inc.
Classification: Pathogenic for Congenital lactic acidosis, Saguenay-Lac-Saint-Jean type. Last evaluated: 2023-09-27. Review status: criteria provided, single submitter. Criteria: Myriad Autosomal Dominant, Autosomal Recessive and X-Linked Classification Criteria (2023). Collection method: clinical testing. Allele origin: unknown.
Comment: NM_133259.3(LRPPRC):c.2535dupC(I846Hfs*2) is expected to be pathogenic in the context of Leigh syndrome, French-Canadian type. This variant is predicted to lead to an abnormal or absent protein product due to the creation of a premature termination codon in LRPPRC, a gene where loss-of-function variants are known to be pathogenic. Please note: this variant was assessed in the context of healthy population screening.